The following is an entry in ClinVar:

NM_004733.4(SLC33A1):c.1117T>G (p.Leu373Val)

Gene: SLC33A1 (solute carrier family 33 member 1; minus strand). Cytogenetic location: 3q25.31.
Variant type: single nucleotide variant.
Coding change: c.1117T>G on transcript NM_004733.4 (MANE Select); coding-DNA position 1117, T replaced by G.
Protein change: p.Leu373Val; replaces leucine 373 with valine.
Molecular consequence: missense variant.
Genome position (GRCh38, 1-based): chr3:155,833,888, A>C on the plus strand (T>G on the coding strand, the complement: SLC33A1 is on the minus strand). VCF-style: chr3-155833888-A-C. GRCh37 (hg19) VCF-style: chr3-155551677-A-C.
Other names: c.1117T>G, p.Leu373Val (NM_001190992.2); c.929T>G, p.Ile310Ser (NM_001363883.1); short protein forms I310S, L373V.
Identifiers: ClinVar variation 1704802 (VCV001704802.3), dbSNP rs1254993967, ClinGen allele CA355141224.
Genomic context (GRCh38, chr3:155,833,888, plus strand): 5'-TATTTAGTAAGGTTTTATTTCATTTTTACCTGTAGGGCATGGCTTTGTAAAATGTGTTTA[A>C]TGGCTGGGGACCTGCAGTGTATTTGCTGATAATCAGAGGCAGTATTATCTGCAAAGGAAC-3'
Protein context (NP_004724.1, residues 363-383): ISKYTAGPQP[Leu373Val]NTFYKAMPYR

ClinVar aggregate classification (germline): Uncertain significance. Review status: criteria provided, multiple submitters, no conflicts (2 of 4 stars). 2 submissions from 2 submitters: Uncertain significance (2). Last evaluated 2022-09-19.

Allele frequency attached by ClinVar (database versions not stated): gnomAD exomes below 0.00001; gnomAD 0.00002; TOPMed 0.00002.
gnomAD v4.1: 5 of 1,613,686 alleles (0.00031%); highest among the groups gnomAD compares: African/African-American, 0.0067%; no homozygotes.

Submissions (2):

Women's Health and Genetics/Laboratory Corporation of America, LabCorp
Classification: Uncertain significance. Last evaluated: 2022-09-19. Review status: criteria provided, single submitter. Criteria: LabCorp Variant Classification Summary - May 2015. Collection method: clinical testing. Allele origin: germline.
Comment: Variant summary: SLC33A1 c.1117T>G (p.Leu373Val) results in a conservative amino acid change in the encoded protein sequence. Four of five in-silico tools predict a damaging effect of the variant on protein function. The variant was absent in 250554 control chromosomes (gnomAD). The available data on variant occurrences in the general population are insufficient to allow any conclusion about variant significance. To our knowledge, no occurrence of c.1117T>G in individuals affected with Congenital Cataract-Hearing Loss-Severe Developmental Delay Syndrome and no experimental evidence demonstrating its impact on protein function have been reported. No clinical diagnostic laboratories have submitted clinical-significance assessments for this variant to ClinVar after 2014. Based on the evidence outlined above, the variant was classified as uncertain significance.

GeneDx
Classification: Uncertain significance. Last evaluated: 2022-03-08. Review status: criteria provided, single submitter. Criteria: GeneDx Variant Classification Process June 2021. Collection method: clinical testing. Allele origin: germline. Affected: yes.
Comment: Not observed at significant frequency in large population cohorts (gnomAD); In silico analysis supports that this missense variant does not alter protein structure/function; Has not been previously published as pathogenic or benign to our knowledge